The following is an entry in ClinVar:

NM_001130144.3(LTBP3):c.3739G>A (p.Ala1247Thr)

Gene: LTBP3 (latent transforming growth factor beta binding protein 3; minus strand). Cytogenetic location: 11q13.1.
Variant type: single nucleotide variant.
Coding change: c.3739G>A on transcript NM_001130144.3 (MANE Select); coding-DNA position 3739, G replaced by A.
Protein change: p.Ala1247Thr; replaces alanine 1247 with threonine.
Molecular consequence: missense variant.
Genome position (GRCh38, 1-based): chr11:65,539,349, C>T on the plus strand (G>A on the coding strand, the complement: LTBP3 is on the minus strand). VCF-style: chr11-65539349-C-T. GRCh37 (hg19) VCF-style: chr11-65306820-C-T.
Other names: c.3247G>A, p.Ala1083Thr (NM_001164266.1); c.3598G>A, p.Ala1200Thr (NM_021070.4); short protein forms A1247T, A1083T, A1200T.
Identifiers: ClinVar variation 2619277 (VCV002619277.2), dbSNP rs1416033922, ClinGen allele CA381266162.

ClinVar aggregate classification (germline): Uncertain significance (1 of 4 stars; one submission).

Conditions:
Inborn genetic diseases. Identifiers: MedGen C0950123, MeSH D030342.

Allele frequency attached by ClinVar (database versions not stated): TOPMed 0.00002; gnomAD 0.00003.
gnomAD v4.1: 8 of 1,528,930 alleles (0.00052%); highest among the groups gnomAD compares: African/African-American, 0.0056%; no homozygotes.

Submission:

Ambry Genetics
Classification: Uncertain significance for Inborn genetic diseases. Last evaluated: 2023-07-27. Review status: criteria provided, single submitter. Criteria: Ambry Variant Classification Scheme 2023. Collection method: clinical testing. Allele origin: germline.
Comment: The p.A1247T variant (also known as c.3739G>A), located in coding exon 27 of the LTBP3 gene, results from a G to A substitution at nucleotide position 3739. The alanine at codon 1247 is replaced by threonine, an amino acid with similar properties. This amino acid position is conserved. In addition, this alteration is predicted to be tolerated by in silico analysis. Since supporting evidence is limited at this time, the clinical significance of this alteration remains unclear.